The following is an entry in ClinVar:

ClinVar aggregate classification (germline): Pathogenic. Review status: criteria provided, multiple submitters, no conflicts (2 of 4 stars). 3 submissions from 3 submitters: Pathogenic (2). 1 of the submissions does not count toward it. Last evaluated 2026-04-07.

Conditions:
Osteogenesis imperfecta type III (OI3). Also called: Progressively Deforming Osteogenesis Imperfecta; Osteogenesis imperfecta, progressively deforming with normal sclerae; OI type III; Osteogenesis imperfecta type 3; OI type 3. Identifiers: Orphanet 216812, Orphanet 666, MedGen C0268362, MONDO:0009804, OMIM 259420.
Ehlers-Danlos syndrome, classic type, 1 (EDSCL1). Also called: EHLERS-DANLOS SYNDROME, GRAVIS TYPE; EHLERS-DANLOS SYNDROME, SEVERE CLASSIC TYPE; EDS I; Ehlers-Danlos Syndrome, Classic Type, COL5A1-Related; Ehlers-Danlos syndrome, type 1. Identifiers: MedGen C0268335, MONDO:0019567, OMIM 130000.
Osteogenesis imperfecta type I (OI1). Also called: OI, TYPE I; OSTEOGENESIS IMPERFECTA TARDA; OSTEOGENESIS IMPERFECTA WITH BLUE SCLERAE; Classic Non-deforming Osteogenesis Imperfecta with Blue Sclerae; Lobstein disease; Osteogenesis imperfecta type 1. Identifiers: Orphanet 216796, Orphanet 666, MedGen C0023931, MONDO:0008146, OMIM 166200. Disease mechanism: loss of function.
Osteogenesis imperfecta with normal sclerae, dominant form (OI4). Also called: OSTEOGENESIS IMPERFECTA WITH NORMAL SCLERAE; OSTEOGENESIS IMPERFECTA, TYPE IV, WITH DENTINOGENESIS IMPERFECTA; Common Variable Osteogenesis Imperfecta with Normal Sclerae; Osteogenesis Imperfecta Type IV; Osteogenesis imperfecta type 4. Identifiers: Orphanet 216820, Orphanet 666, MedGen C0268363, MONDO:0008148, OMIM 166220.

Submissions (3):

Clinical Genetics and Genomics, Karolinska University Hospital
Classification: Pathogenic for Osteogenesis imperfecta type III. Last evaluated: 2026-04-07. Review status: criteria provided, single submitter. Criteria: ACMG Guidelines, 2015. Collection method: clinical testing. Allele origin: unknown. Affected: yes.
Comment: This sequence change replaces glycine with aspartic acid at codon 265 of the COL1A2 protein (p.Gly265Asp). This variant is not present in population databases (gnomAD). This missense change has been observed in individual(s) with autosomal dominant osteogenesis imperfecta (PMID: 9240878, 25944380, 27509835). In at least one individual the variant was observed to be de novo. This variant disrupts the triple helix domain of COL1A2. Glycine residues within the Gly-Xaa-Yaa repeats of the triple helix domain are required for the structure and stability of fibrillar collagens (PMID: 7695699, 8218237, 19344236).

Labcorp Genetics (formerly Invitae), Labcorp
Classification: Pathogenic for Osteogenesis imperfecta type I; Ehlers-Danlos syndrome, classic type, 1. Last evaluated: 2021-09-24. Review status: criteria provided, single submitter. Criteria: Invitae Variant Classification Sherloc (09022015). Collection method: clinical testing. Allele origin: germline.
Comment: This sequence change replaces glycine with aspartic acid at codon 265 of the COL1A2 protein (p.Gly265Asp). The glycine residue is highly conserved and there is a moderate physicochemical difference between glycine and aspartic acid. This variant is not present in population databases (ExAC no frequency). This missense change has been observed in individual(s) with autosomal dominant osteogenesis imperfecta (PMID: 9240878, 25944380, 27509835). In at least one individual the variant was observed to be de novo. This variant is also known as p.Gly175Asp. ClinVar contains an entry for this variant (Variation ID: 425661). Algorithms developed to predict the effect of missense changes on protein structure and function are either unavailable or do not agree on the potential impact of this missense change (SIFT: "Deleterious"; PolyPhen-2: "Not Available"; Align-GVGD: "Class C65"). This variant disrupts the triple helix domain of COL1A2. Glycine residues within the Gly-Xaa-Yaa repeats of the triple helix domain are required for the structure and stability of fibrillar collagens (PMID: 7695699, 8218237, 19344236). In COL1A2, variants affecting these glycine residues are significantly enriched in individuals with disease (PMID: 9016532, 17078022) compared to the general population (ExAC). For these reasons, this variant has been classified as Pathogenic.

Department of Medical Sciences, Uppsala University
Classification: Pathogenic for OI type IV. Review status: no assertion criteria provided. Collection method: clinical testing. Allele origin: unknown. Affected: yes. Observed: 1 variant allele. Not counted in ClinVar's aggregate classification.

Literature cited by the submitters: PubMed 9240878 (cited by Labcorp Genetics (formerly Invitae), Labcorp); PubMed 25944380 (cited by Labcorp Genetics (formerly Invitae), Labcorp and Department of Medical Sciences, Uppsala University); PubMed 27509835 (cited by Labcorp Genetics (formerly Invitae), Labcorp); PubMed 7695699 (cited by Labcorp Genetics (formerly Invitae), Labcorp); PubMed 8218237 (cited by Labcorp Genetics (formerly Invitae), Labcorp); PubMed 19344236 (cited by Labcorp Genetics (formerly Invitae), Labcorp); PubMed 9016532 (cited by Labcorp Genetics (formerly Invitae), Labcorp); PubMed 17078022 (cited by Labcorp Genetics (formerly Invitae), Labcorp).

NM_000089.4(COL1A2):c.794G>A (p.Gly265Asp)

Gene: COL1A2 (collagen type I alpha 2 chain; plus strand). Cytogenetic location: 7q21.3.
Variant type: single nucleotide variant.
Coding change: c.794G>A on transcript NM_000089.4 (MANE Select); coding-DNA position 794, G replaced by A.
Protein change: p.Gly265Asp; replaces glycine 265 with aspartic acid.
Molecular consequence: missense variant.
Genome position (GRCh38, 1-based): chr7:94,409,323, G>A. VCF-style: chr7-94409323-G-A. GRCh37 (hg19) VCF-style: chr7-94038635-G-A.
Other names: c.794G>A (LRG_2t1); short protein forms G265D.
Identifiers: ClinVar variation 425661 (VCV000425661.8), dbSNP rs72656386, ClinGen allele CA162919498.